The following is an entry in ClinVar:

ClinVar aggregate classification (germline): Uncertain significance (1 of 4 stars; one submission).

Conditions:
Vici syndrome (VICIS). Identifiers: Orphanet 1493, MedGen C1855772, MONDO:0009452, OMIM 242840.

Submission:

Labcorp Genetics (formerly Invitae), Labcorp
Classification: Uncertain significance for Vici syndrome. Last evaluated: 2025-03-25. Review status: criteria provided, single submitter. Criteria: Invitae Variant Classification Sherloc (09022015). Collection method: clinical testing. Allele origin: germline.
Comment: This sequence change replaces leucine, which is neutral and non-polar, with methionine, which is neutral and non-polar, at codon 2274 of the EPG5 protein (p.Leu2274Met). Information on the frequency of this variant in the gnomAD database is not available, as this variant may be reported differently in the database. This variant has not been reported in the literature in individuals affected with EPG5-related conditions. Experimental studies and prediction algorithms are not available or were not evaluated, and the functional significance of this variant is currently unknown. In summary, the available evidence is currently insufficient to determine the role of this variant in disease. Therefore, it has been classified as a Variant of Uncertain Significance.

NM_020964.3(EPG5):c.6819_6820delinsAA (p.Leu2274Met)

Gene: EPG5 (ectopic P-granules 5 autophagy tethering factor; minus strand). Cytogenetic location: 18q12.3.
Variant type: Indel.
Coding change: c.6819_6820delinsAA on transcript NM_020964.3 (MANE Select); coding-DNA positions 6819 to 6820, CC replaced by AA.
Protein change: p.Leu2274Met; replaces leucine 2274 with methionine.
Molecular consequence: missense variant.
Genome position (GRCh38, 1-based): chr18:45,860,293-45,860,294, GG replaced by TT on the plus strand (CC replaced by AA on the coding strand, the reverse complement: EPG5 is on the minus strand). VCF-style: chr18-45860293-GG-TT. GRCh37 (hg19) VCF-style: chr18-43440258-GG-TT.
Other names: c.6819_6820delinsAA, p.Leu2274Met (NM_001410858.1); c.6816_6817delinsAA, p.Leu2273Met (NM_001410859.1); short protein forms L2274M, L2273M.
Identifiers: ClinVar variation 4772750 (VCV004772750.1).